The following is an entry in ClinVar:

ClinVar aggregate classification (germline): Benign (3 of 4 stars; one submission).

Conditions:
Breast-ovarian cancer, familial, susceptibility to, 1 (BROVCA1). Also called: BRCA1 Hereditary Breast and Ovarian Cancer; OVARIAN CANCER, SUSCEPTIBILITY TO. Identifiers: Orphanet 145, MedGen C2676676, MONDO:0011450, OMIM 604370. Disease mechanism: loss of function.

Allele frequency attached by ClinVar (database versions not stated): 1000 Genomes Project 30x 0.01171; gnomAD 0.01238 and 0.01321; 1000 Genomes Project 0.01318; TOPMed 0.01409.
gnomAD v4.1: 1,849 of 151,388 alleles (1.2%); highest among the groups gnomAD compares: African/African-American, 4.3%; 47 homozygotes.

Submission:

Evidence-based Network for the Interpretation of Germline Mutant Alleles (ENIGMA)
Classification: Benign for Breast-ovarian cancer, familial 1. Last evaluated: 2015-01-12. Review status: reviewed by expert panel. Criteria: ENIGMA BRCA1/2 Classification Criteria (2015). Collection method: curation. Allele origin: germline.
Comment: Class 1 not pathogenic based on frequency >1% in an outbred sampleset. Frequency 0.04065 (African), derived from 1000 genomes (2012-04-30).

NM_007294.4(BRCA1):c.5194-466G>A

Gene: BRCA1 (BRCA1 DNA repair associated; minus strand). Cytogenetic location: 17q21.31.
Variant type: single nucleotide variant.
Coding change: c.5194-466G>A on transcript NM_007294.4 (MANE Select); 466 bases into the intron before coding-DNA position 5194, G replaced by A.
Molecular consequence: intron variant.
Genome position (GRCh38, 1-based): chr17:43,057,601, C>T on the plus strand (G>A on the coding strand, the complement: BRCA1 is on the minus strand). VCF-style: chr17-43057601-C-T. GRCh37 (hg19) VCF-style: chr17-41209618-C-T.
Other names: IVS 19-466G>A; c.1741-466G>A (NM_001408458.1, NM_001408461.1, NM_001408464.1 and 7 more transcripts); c.4303-466G>A (NM_001407967.1); c.4813-466G>A (NM_001407959.1); c.4927-466G>A (NM_001407931.1, NM_001407932.1, NM_001407928.1 and 4 more transcripts); c.5050-466G>A (NM_001407747.1, NM_001407745.1, NM_001407737.1 and 21 more transcripts); c.4810-466G>A (NM_001407962.1, NM_001407960.1); c.1381-466G>A (NM_001408512.1); and 73 more.
Identifiers: ClinVar variation 209292 (VCV000209292.2), dbSNP rs8176281, ClinGen allele CA276264.